The following is an entry in ClinVar:

NM_004959.5(NR5A1):c.521C>T (p.Pro174Leu)

Gene: NR5A1 (nuclear receptor subfamily 5 group A member 1; minus strand). Cytogenetic location: 9q33.3.
Variant type: single nucleotide variant.
Coding change: c.521C>T on transcript NM_004959.5 (MANE Select); coding-DNA position 521, C replaced by T.
Protein change: p.Pro174Leu; replaces proline 174 with leucine.
Molecular consequence: missense variant.
Genome position (GRCh38, 1-based): chr9:124,500,439, G>A on the plus strand (C>T on the coding strand, the complement: NR5A1 is on the minus strand). VCF-style: chr9-124500439-G-A. GRCh37 (hg19) VCF-style: chr9-127262718-G-A.
Other names: short protein forms P174L.
Identifiers: ClinVar variation 1309557 (VCV001309557.2), dbSNP rs746821998, ClinGen allele CA199728906.

ClinVar aggregate classification (germline): Uncertain significance (1 of 4 stars; one submission).

Allele frequency attached by ClinVar (database versions not stated): gnomAD 0.00001; TOPMed 0.00001; gnomAD exomes 0.00002.
gnomAD v4.1: 37 of 1,579,032 alleles (0.0023%); highest among the groups gnomAD compares: Non-Finnish European, 0.003%; no homozygotes.

Submission:

GeneDx
Classification: Uncertain significance. Last evaluated: 2019-09-05. Review status: criteria provided, single submitter. Criteria: GeneDx Variant Classification Process June 2021. Collection method: clinical testing. Allele origin: germline. Affected: yes.
Comment: Not observed in large population cohorts (Lek et al., 2016); In silico analysis, which includes protein predictors and evolutionary conservation, supports a deleterious effect; Has not been previously published as pathogenic or benign to our knowledge